The following is an entry in ClinVar:

ClinVar aggregate classification (germline): Uncertain significance. Review status: criteria provided, multiple submitters, no conflicts (2 of 4 stars). 2 submissions from 2 submitters: Uncertain significance (2). Last evaluated 2022-11-01.

Conditions:
Bethlem myopathy 1A. Also called: Bethlem myopathy 1; Bethlem Muscular Dystrophy; MYOPATHY, BENIGN CONGENITAL, WITH CONTRACTURES. Identifiers: Orphanet 610, MedGen CN029274, MONDO:0024530, OMIM 158810.

Submissions (2):

CeGaT Center for Human Genetics Tuebingen
Classification: Uncertain significance. Last evaluated: 2022-11-01. Review status: criteria provided, single submitter. Criteria: CeGaT Center For Human Genetics Tuebingen Variant Classification Criteria Version 2. Collection method: clinical testing. Allele origin: germline. Affected: yes. Observed: 1 variant allele.
Comment: COL6A2: PM2

Labcorp Genetics (formerly Invitae), Labcorp
Classification: Uncertain significance for Bethlem myopathy 1A. Last evaluated: 2020-01-04. Review status: criteria provided, single submitter. Criteria: Invitae Variant Classification Sherloc (09022015). Collection method: clinical testing. Allele origin: germline.
Comment: This sequence change replaces alanine with valine at codon 710 of the COL6A2 protein (p.Ala710Val). The alanine residue is highly conserved and there is a small physicochemical difference between alanine and valine. This variant is not present in population databases (ExAC no frequency). This variant has not been reported in the literature in individuals with COL6A2-related conditions. Algorithms developed to predict the effect of missense changes on protein structure and function are either unavailable or do not agree on the potential impact of this missense change (SIFT: "Deleterious"; PolyPhen-2: "Probably Damaging"; Align-GVGD: "Class C0"). In summary, the available evidence is currently insufficient to determine the role of this variant in disease. Therefore, it has been classified as a Variant of Uncertain Significance.

NM_001849.4(COL6A2):c.2129C>T (p.Ala710Val)

Gene: COL6A2 (collagen type VI alpha 2 chain; plus strand). Cytogenetic location: 21q22.3.
Variant type: single nucleotide variant.
Coding change: c.2129C>T on transcript NM_001849.4 (MANE Select); coding-DNA position 2129, C replaced by T.
Protein change: p.Ala710Val; replaces alanine 710 with valine.
Molecular consequence: missense variant.
Genome position (GRCh38, 1-based): chr21:46,125,944, C>T. VCF-style: chr21-46125944-C-T. GRCh37 (hg19) VCF-style: chr21-47545858-C-T.
Other names: c.2129C>T, p.Ala710Val (NM_058174.3, NM_058175.3); short protein forms A710V.
Identifiers: ClinVar variation 1050866 (VCV001050866.35), dbSNP rs1555875708, ClinGen allele CA410541667.